The following is an entry in ClinVar:

ClinVar aggregate classification (germline): Uncertain significance (1 of 4 stars; one submission).

Conditions:
Dystonia 12 (DYT12). Also called: DYT-ATP1A3; Rapid-Onset Dystonia-Parkinsonism (RDP). Identifiers: Orphanet 71517, MedGen C1868681, MONDO:0007496, OMIM 128235.

Submission:

Labcorp Genetics (formerly Invitae), Labcorp
Classification: Uncertain significance for Dystonia 12. Last evaluated: 2021-08-11. Review status: criteria provided, single submitter. Criteria: Invitae Variant Classification Sherloc (09022015). Collection method: clinical testing. Allele origin: germline.
Comment: In summary, the available evidence is currently insufficient to determine the role of this variant in disease. Therefore, it has been classified as a Variant of Uncertain Significance. Algorithms developed to predict the effect of sequence changes on RNA splicing suggest that this variant may create or strengthen a splice site, but this prediction has not been confirmed by published transcriptional studies. Advanced modeling of protein sequence and biophysical properties (such as structural, functional, and spatial information, amino acid conservation, physicochemical variation, residue mobility, and thermodynamic stability) performed at Invitae indicates that this missense variant is expected to disrupt ATP1A3 protein function. This variant has not been reported in the literature in individuals with ATP1A3-related conditions. This variant is not present in population databases (ExAC no frequency). This sequence change replaces glycine with arginine at codon 66 of the ATP1A3 protein (p.Gly66Arg). The glycine residue is moderately conserved and there is a moderate physicochemical difference between glycine and arginine.

NM_152296.5(ATP1A3):c.196G>A (p.Gly66Arg)

Gene: ATP1A3 (ATPase Na+/K+ transporting subunit alpha 3; minus strand). Cytogenetic location: 19q13.2.
Variant type: single nucleotide variant.
Coding change: c.196G>A on transcript NM_152296.5 (MANE Select); coding-DNA position 196, G replaced by A.
Protein change: p.Gly66Arg; replaces glycine 66 with arginine.
Molecular consequence: missense variant.
Genome position (GRCh38, 1-based): chr19:41,988,097, C>T on the plus strand (G>A on the coding strand, the complement: ATP1A3 is on the minus strand). VCF-style: chr19-41988097-C-T. GRCh37 (hg19) VCF-style: chr19-42492249-C-T.
Other names: c.229G>A, p.Gly77Arg (NM_001256213.2); c.235G>A, p.Gly79Arg (NM_001256214.2); short protein forms G66R, G77R, G79R.
Identifiers: ClinVar variation 1360029 (VCV001360029.8), dbSNP rs2145983320, ClinGen allele CA406056791.
Genomic context (GRCh38, chr19:41,988,097, plus strand): 5'-GCTGCCGGCAAAACTTGACCCACTCTGGGGTGGTAGGCGGTGGCGTGAGTGCGTTAGGCC[C>T]ATCCCGGGCCAGGATCTCCTGGGCTTTGCTGTGGGTCAAACCCTGAGGGACAGAGGACTC-3'
Protein context (NP_689509.1, residues 56-76): SKAQEILARD[Gly66Arg]PNALTPPPTT